The following is an entry in ClinVar:

ClinVar aggregate classification (germline): Uncertain significance. Review status: criteria provided, multiple submitters, no conflicts (2 of 4 stars). 2 submissions from 2 submitters: Uncertain significance (2). Last evaluated 2024-12-02.

Conditions:
Inborn genetic diseases. Identifiers: MedGen C0950123, MeSH D030342.

gnomAD v4.1: 26 of 1,575,438 alleles (0.0017%); highest among the groups gnomAD compares: Non-Finnish European, 0.0022%; no homozygotes.

Submissions (2):

Labcorp Genetics (formerly Invitae), Labcorp
Classification: Uncertain significance. Last evaluated: 2024-12-02. Review status: criteria provided, single submitter. Criteria: Invitae Variant Classification Sherloc (09022015). Collection method: clinical testing. Allele origin: germline.
Comment: This sequence change replaces aspartic acid, which is acidic and polar, with tyrosine, which is neutral and polar, at codon 1460 of the TUBGCP6 protein (p.Asp1460Tyr). This variant is present in population databases (no rsID available, gnomAD 0.001%). This variant has not been reported in the literature in individuals affected with TUBGCP6-related conditions. ClinVar contains an entry for this variant (Variation ID: 998975). An algorithm developed to predict the effect of missense changes on protein structure and function (PolyPhen-2) suggests that this variant is likely to be disruptive. Algorithms developed to predict the effect of sequence changes on RNA splicing suggest that this variant may disrupt the consensus splice site. In summary, the available evidence is currently insufficient to determine the role of this variant in disease. Therefore, it has been classified as a Variant of Uncertain Significance.

Ambry Genetics
Classification: Uncertain significance for Inborn genetic diseases. Last evaluated: 2024-01-23. Review status: criteria provided, single submitter. Criteria: Ambry Variant Classification Scheme 2023. Collection method: clinical testing. Allele origin: germline.

NM_020461.4(TUBGCP6):c.4378G>T (p.Asp1460Tyr)

Gene: TUBGCP6 (tubulin gamma complex component 6; minus strand). Cytogenetic location: 22q13.33.
Variant type: single nucleotide variant.
Coding change: c.4378G>T on transcript NM_020461.4 (MANE Select); coding-DNA position 4378, G replaced by T.
Protein change: p.Asp1460Tyr; replaces aspartic acid 1460 with tyrosine.
Molecular consequence: missense variant.
Genome position (GRCh38, 1-based): chr22:50,219,394, C>A on the plus strand (G>T on the coding strand, the complement: TUBGCP6 is on the minus strand). VCF-style: chr22-50219394-C-A. GRCh37 (hg19) VCF-style: chr22-50657823-C-A.
Other names: c.4378G>T (NM_020461.3); short protein forms D1460Y.
Identifiers: ClinVar variation 998975 (VCV000998975.9), dbSNP rs570025532, ClinGen allele CA412172171.